The following is an entry in ClinVar:

ClinVar aggregate classification (germline): Uncertain significance. Review status: criteria provided, multiple submitters, no conflicts (2 of 4 stars). 2 submissions from 2 submitters: Uncertain significance (2). Last evaluated 2025-11-26.

Conditions:
Long QT syndrome (LQTS). Identifiers: MedGen C0023976, MeSH D008133, MONDO:0002442. Disease mechanism: loss of function. Inheritance: Various modes of inheritance.
Cardiovascular phenotype. Identifiers: MedGen CN230736.

Submissions (2):

Ambry Genetics
Classification: Uncertain significance for Cardiovascular phenotype. Last evaluated: 2025-11-26. Review status: criteria provided, single submitter. Criteria: Ambry Variant Classification Scheme 2023. Collection method: clinical testing. Allele origin: germline.

Labcorp Genetics (formerly Invitae), Labcorp
Classification: Uncertain significance for Long QT syndrome. Last evaluated: 2025-03-10. Review status: criteria provided, single submitter. Criteria: Invitae Variant Classification Sherloc (09022015). Collection method: clinical testing. Allele origin: germline.
Comment: This sequence change replaces histidine, which is basic and polar, with aspartic acid, which is acidic and polar, at codon 3579 of the ANK2 protein (p.His3579Asp). This variant is not present in population databases (gnomAD no frequency). This variant has not been reported in the literature in individuals affected with ANK2-related conditions. Invitae Evidence Modeling of protein sequence and biophysical properties (such as structural, functional, and spatial information, amino acid conservation, physicochemical variation, residue mobility, and thermodynamic stability) indicates that this missense variant is not expected to disrupt ANK2 protein function with a negative predictive value of 80%. In summary, the available evidence is currently insufficient to determine the role of this variant in disease. Therefore, it has been classified as a Variant of Uncertain Significance.

NM_001148.6(ANK2):c.10735C>G (p.His3579Asp)

Gene: ANK2 (ankyrin 2; plus strand). Cytogenetic location: 4q26.
Variant type: single nucleotide variant.
Coding change: c.10735C>G on transcript NM_001148.6 (MANE Select); coding-DNA position 10735, C replaced by G.
Protein change: p.His3579Asp; replaces histidine 3579 with aspartic acid.
Molecular consequence: missense variant.
Genome position (GRCh38, 1-based): chr4:113,360,876, C>G. VCF-style: chr4-113360876-C-G. GRCh37 (hg19) VCF-style: chr4-114282032-C-G.
Other names: c.4450C>G, p.His1484Asp (NM_001354239.2, NM_001354252.2); c.4525C>G, p.His1509Asp (NM_001354240.2, NM_001354241.2, NM_001386144.1); c.4522C>G, p.His1508Asp (NM_001354242.2, NM_001354231.2); c.4417C>G, p.His1473Asp (NM_001354243.2, NM_001354255.2, NM_001386143.1); c.4414C>G, p.His1472Asp (NM_001354244.2, NM_001354256.2, NM_001386161.1); c.4318C>G, p.His1440Asp (NM_001354245.2, NM_001354262.2, NM_001354275.2); c.4477C>G, p.His1493Asp (NM_001354246.2, NM_001354265.2, NM_001354235.2); c.4294C>G, p.His1432Asp (NM_001354249.2, NM_001354266.2, NM_001354267.2 and 2 more transcripts); and 35 more; short protein forms H1439D, H1442D, H1447D, H1484D, H1498D, H2379D, H3579D, H1333D.
Identifiers: ClinVar variation 4613590 (VCV004613590.2).